The following is an entry in ClinVar:

ClinVar aggregate classification (germline): Uncertain significance (1 of 4 stars; one submission).

Conditions:
Hereditary sensory neuropathy-deafness-dementia syndrome. Also called: NEUROPATHY, HEREDITARY SENSORY, WITH HEARING LOSS AND DEMENTIA; Hereditary Sensory and Autonomic Neuropathy Type 1E (HSAN1E); Hereditary sensory neuropathy type IE; HSN IE. Identifiers: Orphanet 456318, MedGen C3279885, MONDO:0013584, OMIM 614116.

Submission:

Labcorp Genetics (formerly Invitae), Labcorp
Classification: Uncertain significance for Hereditary sensory neuropathy-deafness-dementia syndrome. Last evaluated: 2021-10-04. Review status: criteria provided, single submitter. Criteria: Invitae Variant Classification Sherloc (09022015). Collection method: clinical testing. Allele origin: germline.
Comment: This sequence change replaces histidine with glutamine at codon 50 of the DNMT1 protein (p.His50Gln). The histidine residue is moderately conserved and there is a small physicochemical difference between histidine and glutamine. This variant is not present in population databases (ExAC no frequency). This variant has not been reported in the literature in individuals affected with DNMT1-related conditions. Algorithms developed to predict the effect of missense changes on protein structure and function are either unavailable or do not agree on the potential impact of this missense change (SIFT: "Tolerated"; PolyPhen-2: "Possibly Damaging"; Align-GVGD: "Class C0"). Algorithms developed to predict the effect of sequence changes on RNA splicing suggest that this variant may create or strengthen a splice site. In summary, the available evidence is currently insufficient to determine the role of this variant in disease. Therefore, it has been classified as a Variant of Uncertain Significance.

NM_001130823.3(DNMT1):c.150C>G (p.His50Gln)

Gene: DNMT1 (DNA methyltransferase 1; minus strand). Cytogenetic location: 19p13.2.
Variant type: single nucleotide variant.
Coding change: c.150C>G on transcript NM_001130823.3 (MANE Select); coding-DNA position 150, C replaced by G.
Protein change: p.His50Gln; replaces histidine 50 with glutamine.
Molecular consequence: missense variant. On other transcripts: 5 prime UTR variant (1).
Genome position (GRCh38, 1-based): chr19:10,180,853, G>C on the plus strand (C>G on the coding strand, the complement: DNMT1 is on the minus strand). VCF-style: chr19-10180853-G-C. GRCh37 (hg19) VCF-style: chr19-10291529-G-C.
Other names: c.150C>G, p.His50Gln (NM_001318730.2, NM_001379.4); c.-174C>G (NM_001318731.2); short protein forms H50Q.
Identifiers: ClinVar variation 1412807 (VCV001412807.6), dbSNP rs146112081, ClinGen allele CA403947246.